The following is an entry in ClinVar:

NM_007294.4(BRCA1):c.4519A>G (p.Arg1507Gly)

Gene: BRCA1 (BRCA1 DNA repair associated; minus strand). Cytogenetic location: 17q21.31.
Variant type: single nucleotide variant.
Coding change: c.4519A>G on transcript NM_007294.4 (MANE Select); coding-DNA position 4519, A replaced by G.
Protein change: p.Arg1507Gly; replaces arginine 1507 with glycine.
Molecular consequence: missense variant. On other transcripts: non-coding transcript variant (1).
Genome position (GRCh38, 1-based): chr17:43,074,487, T>C on the plus strand (A>G on the coding strand, the complement: BRCA1 is on the minus strand). VCF-style: chr17-43074487-T-C. GRCh37 (hg19) VCF-style: chr17-41226504-T-C.
Other names: c.4513A>G, p.Arg1505Gly (NM_001407635.1, NM_001407636.1, NM_001407637.1 and 14 more transcripts); c.1084A>G, p.Arg362Gly (NM_001408438.1, NM_001408439.1, NM_001408440.1 and 10 more transcripts); c.4510A>G, p.Arg1504Gly (NM_001407644.1, NM_001407645.1); c.4507A>G, p.Arg1503Gly (NM_001407646.1); c.1081A>G, p.Arg361Gly (NM_001408445.1, NM_001408446.1, NM_001408447.1 and 2 more transcripts); c.1075A>G, p.Arg359Gly (NM_001408451.1); c.1069A>G, p.Arg357Gly (NM_001408452.1, NM_001408453.1, NM_001408454.1 and 3 more transcripts); c.1066A>G, p.Arg356Gly (NM_001408458.1, NM_001408459.1, NM_001408460.1 and 7 more transcripts); and 68 more; short protein forms R1507G, R1460G, R1528G, R403G, R1379G, R1394G, R1395G, R1418G.
Identifiers: ClinVar variation 627910 (VCV000627910.6), dbSNP rs1567778299, ClinGen allele CA10592487.

ClinVar aggregate classification (germline): Uncertain significance. Review status: criteria provided, multiple submitters, no conflicts (2 of 4 stars). 2 submissions from 2 submitters: Uncertain significance (2). Last evaluated 2023-06-12.

Conditions:
Hereditary cancer-predisposing syndrome. Also called: Neoplastic Syndromes, Hereditary; Tumor predisposition; Hereditary neoplastic syndrome; Hereditary Cancer Syndrome. Identifiers: Orphanet 140162, MedGen C0027672, MeSH D009386, MONDO:0015356.

Submissions (2):

Ambry Genetics
Classification: Uncertain significance for Hereditary cancer-predisposing syndrome. Last evaluated: 2023-06-12. Review status: criteria provided, single submitter. Criteria: Ambry Variant Classification Scheme 2023. Collection method: clinical testing. Allele origin: germline.
Comment: The p.R1507G variant (also known as c.4519A>G), located in coding exon 13 of the BRCA1 gene, results from an A to G substitution at nucleotide position 4519. The arginine at codon 1507 is replaced by glycine, an amino acid with dissimilar properties. This alteration was not observed in 7,051 unselected female breast cancer patients and was observed with an allele frequency of 0.00009 in 11,241 female controls of Japanese ancestry (Momozawa Y et al. Nat Commun, 2018 Oct;9:4083). This amino acid position is not well conserved in available vertebrate species. In addition, the in silico prediction for this alteration is inconclusive. Since supporting evidence is limited at this time, the clinical significance of this alteration remains unclear.

Color Diagnostics, LLC DBA Color Health
Classification: Uncertain significance for Hereditary cancer-predisposing syndrome. Last evaluated: 2019-03-14. Review status: criteria provided, single submitter. Criteria: ACMG Guidelines, 2015. Collection method: clinical testing. Allele origin: germline.

Literature cited by the submitters: PubMed 30287823 (cited by Ambry Genetics).